The following is an entry in ClinVar:

NM_001458.5(FLNC):c.4616C>T (p.Ala1539Val)

Gene: FLNC (filamin C; plus strand). Cytogenetic location: 7q32.1.
Variant type: single nucleotide variant.
Coding change: c.4616C>T on transcript NM_001458.5 (MANE Select); coding-DNA position 4616, C replaced by T.
Protein change: p.Ala1539Val; replaces alanine 1539 with valine.
Molecular consequence: missense variant.
Genome position (GRCh38, 1-based): chr7:128,848,596, C>T. VCF-style: chr7-128848596-C-T. GRCh37 (hg19) VCF-style: chr7-128488650-C-T.
Other names: c.4616C>T, p.Ala1539Val (NM_001127487.2); short protein forms A1539V.
Identifiers: ClinVar variation 661079 (VCV000661079.9), dbSNP rs770746660, ClinGen allele CA4475403.
Genomic context (GRCh38, chr7:128,848,596, plus strand): 5'-CTGTTTATCCCTTCTGCTCCTCAAGCCCCTTCAAGATCAAGGTCCTCCCAGCTCATGATG[C>T]CAGCAAGGTGCGGGCCAGCGGCCCAGGCCTCAACGCCTCTGGCATCCCTGCCAGCCTGCC-3'
Protein context (NP_001449.3, residues 1529-1549): FKIKVLPAHD[Ala1539Val]SKVRASGPGL

ClinVar aggregate classification (germline): Uncertain significance (1 of 4 stars; one submission).

Conditions:
Distal myopathy with posterior leg and anterior hand involvement. Also called: WILLIAMS DISTAL MYOPATHY. Identifiers: Orphanet 63273, MedGen C3279722, MONDO:0013550, OMIM 614065.
Myofibrillar myopathy 5. Also called: Filaminopathy (type); FILAMINOPATHY, AUTOSOMAL DOMINANT. Identifiers: Orphanet 171445, MedGen C1836050, MONDO:0012289, OMIM 609524.
Hypertrophic cardiomyopathy 26. Also called: Cardiomyopathy, familial hypertrophic, 26. Identifiers: Orphanet 75249, MedGen C4310749, MONDO:0014883, OMIM 617047.

Allele frequency attached by ClinVar (database versions not stated): gnomAD exomes below 0.00001; ExAC 0.00001.

Submission:

Labcorp Genetics (formerly Invitae), Labcorp
Classification: Uncertain significance for Distal myopathy with posterior leg and anterior hand involvement; Myofibrillar myopathy 5; Hypertrophic cardiomyopathy 26. Last evaluated: 2018-10-31. Review status: criteria provided, single submitter. Criteria: Invitae Variant Classification Sherloc (09022015). Collection method: clinical testing. Allele origin: germline.
Comment: This variant disrupts the p.Ala1539 amino acid residue in FLNC. Other variant(s) that disrupt this residue have been observed in affected individuals (PMID: 25351925), suggesting that it is a clinically significant residue. As a result, variants that disrupt this residue are likely to be causative of disease. In summary, the available evidence is currently insufficient to determine the role of this variant in disease. Therefore, it has been classified as a Variant of Uncertain Significance. Algorithms developed to predict the effect of missense changes on protein structure and function are either unavailable or do not agree on the potential impact of this missense change (SIFT: "Tolerated"; PolyPhen-2: "Probably Damaging"; Align-GVGD: "Class C0"). This variant has not been reported in the literature in individuals with FLNC-related disease. This variant is present in population databases (rs770746660, ExAC 0.001%). This sequence change replaces alanine with valine at codon 1539 of the FLNC protein (p.Ala1539Val). The alanine residue is highly conserved and there is a small physicochemical difference between alanine and valine.

Literature cited by the submitters: PubMed 25351925.